The following is an entry in ClinVar:

ClinVar aggregate classification (germline): Likely benign (1 of 4 stars; one submission).

Conditions:
PEX26-related disorder. Also called: PEX26-related condition.

Submission:

PreventionGenetics, part of Exact Sciences
Classification: Likely benign for PEX26-related condition. Last evaluated: 2026-04-29. Review status: criteria provided, single submitter. Criteria: ACMG Guidelines, 2015. Collection method: clinical testing. Allele origin: germline.
Comment: This variant is classified as likely benign based on ACMG/AMP sequence variant interpretation guidelines (Richards et al. 2015 PMID: 25741868, with internal and published modifications).

NM_001127649.3(PEX26):c.75G>T (p.Val25=)

Gene: PEX26 (peroxisomal biogenesis factor 26; plus strand). Cytogenetic location: 22q11.21.
Variant type: single nucleotide variant.
Coding change: c.75G>T on transcript NM_001127649.3 (MANE Select); coding-DNA position 75, G replaced by T.
Protein change: p.Val25=; no amino-acid change (valine 25 retained).
Molecular consequence: synonymous variant.
Genome position (GRCh38, 1-based): chr22:18,078,451, G>T. VCF-style: chr22-18078451-G-T. GRCh37 (hg19) VCF-style: chr22-18561217-G-T.
Other names: c.75G>T, p.Val25= (NM_001199319.2, NM_017929.6).
Identifiers: ClinVar variation 4991495 (VCV004991495.1).